The following is an entry in ClinVar:

ClinVar aggregate classification (germline): Uncertain significance (1 of 4 stars; one submission).

Allele frequency attached by ClinVar (database versions not stated): ExAC 0.00003.
gnomAD v4.1: 16 of 1,611,728 alleles (0.00099%); highest among the groups gnomAD compares: East Asian, 0.0067%; no homozygotes.

Submission:

Labcorp Genetics (formerly Invitae), Labcorp
Classification: Uncertain significance. Last evaluated: 2022-08-04. Review status: criteria provided, single submitter. Criteria: Invitae Variant Classification Sherloc (09022015). Collection method: clinical testing. Allele origin: germline.
Comment: In summary, the available evidence is currently insufficient to determine the role of this variant in disease. Therefore, it has been classified as a Variant of Uncertain Significance. Algorithms developed to predict the effect of missense changes on protein structure and function (SIFT, PolyPhen-2, Align-GVGD) all suggest that this variant is likely to be disruptive. This variant has not been reported in the literature in individuals affected with DVL3-related conditions. This variant is present in population databases (rs778740365, gnomAD 0.02%). This sequence change replaces arginine, which is basic and polar, with cysteine, which is neutral and slightly polar, at codon 212 of the DVL3 protein (p.Arg212Cys).

NM_004423.4(DVL3):c.634C>T (p.Arg212Cys)

Gene: DVL3 (dishevelled segment polarity protein 3; plus strand). Cytogenetic location: 3q27.1.
Variant type: single nucleotide variant.
Coding change: c.634C>T on transcript NM_004423.4 (MANE Select); coding-DNA position 634, C replaced by T.
Protein change: p.Arg212Cys; replaces arginine 212 with cysteine.
Molecular consequence: missense variant.
Genome position (GRCh38, 1-based): chr3:184,165,147, C>T. VCF-style: chr3-184165147-C-T. GRCh37 (hg19) VCF-style: chr3-183882935-C-T.
Other names: short protein forms R212C.
Identifiers: ClinVar variation 1942209 (VCV001942209.5), dbSNP rs778740365, ClinGen allele CA2727179.
Genomic context (GRCh38, chr3:184,165,147, plus strand): 5'-GTGGGGAACGACTGTGGGCCCCACAGGTTCAGCAGCTCCACAGAACAGAGCAGTGCCTCA[C>T]GCCTGATGAGAAGACACAAGCGGCGGCGGCGGAAGCAGAAGGTTTCTCGGATTGAGCGGG-3'
Protein context (NP_004414.3, residues 202-222): SSSTEQSSAS[Arg212Cys]LMRRHKRRRR